The following is an entry in ClinVar:

NM_182641.4(BPTF):c.3356C>T (p.Ser1119Leu)

Gene: BPTF (bromodomain PHD finger transcription factor; plus strand). Cytogenetic location: 17q24.2.
Variant type: single nucleotide variant.
Coding change: c.3356C>T on transcript NM_182641.4 (MANE Select); coding-DNA position 3356, C replaced by T.
Protein change: p.Ser1119Leu; replaces serine 1119 with leucine.
Molecular consequence: missense variant.
Genome position (GRCh38, 1-based): chr17:67,911,240, C>T. VCF-style: chr17-67911240-C-T. GRCh37 (hg19) VCF-style: chr17-65907356-C-T.
Other names: c.3734C>T, p.Ser1245Leu (NM_004459.7); short protein forms S1245L, S1119L.
Identifiers: ClinVar variation 2048614 (VCV002048614.5), dbSNP rs946963236, ClinGen allele CA8725625.

ClinVar aggregate classification (germline): Conflicting classifications of pathogenicity. Review status: criteria provided, conflicting classifications (1 of 4 stars). 2 submissions from 2 submitters: Uncertain significance (1); Likely benign (1). Last evaluated 2025-10-07.

Conditions:
Inborn genetic diseases. Identifiers: MedGen C0950123, MeSH D030342.

Allele frequency attached by ClinVar (database versions not stated): TOPMed 0.00002; ExAC 0.00003; gnomAD 0.00001.
gnomAD v4.1: 11 of 1,613,786 alleles (0.00068%); highest among the groups gnomAD compares: South Asian, 0.0044%; no homozygotes.

Submissions (2):

Labcorp Genetics (formerly Invitae), Labcorp
Classification: Uncertain significance. Last evaluated: 2025-10-07. Review status: criteria provided, single submitter. Criteria: Invitae Variant Classification Sherloc (09022015). Collection method: clinical testing. Allele origin: germline.
Comment: This sequence change replaces serine, which is neutral and polar, with leucine, which is neutral and non-polar, at codon 1245 of the BPTF protein (p.Ser1245Leu). This variant is present in population databases (no rsID available, gnomAD 0.01%). This variant has not been reported in the literature in individuals affected with BPTF-related conditions. ClinVar contains an entry for this variant (Variation ID: 2048614). An algorithm developed to predict the effect of missense changes on protein structure and function outputs the following: PolyPhen-2: "Benign". The leucine amino acid residue is found in multiple mammalian species, which suggests that this missense change does not adversely affect protein function. In summary, the available evidence is currently insufficient to determine the role of this variant in disease. Therefore, it has been classified as a Variant of Uncertain Significance.

Ambry Genetics
Classification: Likely benign for Inborn genetic diseases. Last evaluated: 2022-10-03. Review status: criteria provided, single submitter. Criteria: Ambry Variant Classification Scheme 2023. Collection method: clinical testing. Allele origin: germline.